The following is an entry in ClinVar:

NM_000094.4(COL7A1):c.970C>T (p.Arg324Trp)

Gene: COL7A1 (collagen type VII alpha 1 chain; minus strand). Cytogenetic location: 3p21.31.
Variant type: single nucleotide variant.
Coding change: c.970C>T on transcript NM_000094.4 (MANE Select); coding-DNA position 970, C replaced by T.
Protein change: p.Arg324Trp; replaces arginine 324 with tryptophan.
Molecular consequence: missense variant.
Genome position (GRCh38, 1-based): chr3:48,592,576, G>A on the plus strand (C>T on the coding strand, the complement: COL7A1 is on the minus strand). VCF-style: chr3-48592576-G-A. GRCh37 (hg19) VCF-style: chr3-48630009-G-A.
Other names: short protein forms R324W.
Identifiers: ClinVar variation 3702743 (VCV003702743.2).

ClinVar aggregate classification (germline): Uncertain significance (1 of 4 stars; one submission).

gnomAD v4.1: 15 of 1,613,852 alleles (0.00093%); highest among the groups gnomAD compares: East Asian, 0.0022%; no homozygotes.

Submission:

Labcorp Genetics (formerly Invitae), Labcorp
Classification: Uncertain significance. Last evaluated: 2025-12-24. Review status: criteria provided, single submitter. Criteria: Invitae Variant Classification Sherloc (09022015). Collection method: clinical testing. Allele origin: germline.
Comment: This sequence change replaces arginine, which is basic and polar, with tryptophan, which is neutral and slightly polar, at codon 324 of the COL7A1 protein (p.Arg324Trp). This variant is present in population databases (rs746639223, gnomAD 0.002%). This variant has not been reported in the literature in individuals affected with COL7A1-related conditions. ClinVar contains an entry for this variant (Variation ID: 3702743). Invitae Evidence Modeling of protein sequence and biophysical properties (such as structural, functional, and spatial information, amino acid conservation, physicochemical variation, residue mobility, and thermodynamic stability) indicates that this missense variant is not expected to disrupt COL7A1 protein function with a negative predictive value of 95%. In summary, the available evidence is currently insufficient to determine the role of this variant in disease. Therefore, it has been classified as a Variant of Uncertain Significance.